The following is an entry in ClinVar:

ClinVar aggregate classification (germline): Uncertain significance (1 of 4 stars; one submission).

gnomAD v4.1: 2 of 1,518,940 alleles (0.00013%); highest among the groups gnomAD compares: South Asian, 0.0012%; no homozygotes.

Submission:

GeneDx
Classification: Uncertain significance. Last evaluated: 2020-01-21. Review status: criteria provided, single submitter. Criteria: GeneDx Variant Classification Process June 2021. Collection method: clinical testing. Allele origin: germline. Affected: yes.
Comment: Not observed in large population cohorts (Lek et al., 2016); In silico analysis, which includes protein predictors and evolutionary conservation, supports that this variant does not alter protein structure/function; Has not been previously published as pathogenic or benign to our knowledge

NM_001367624.2(ZNF469):c.2953G>C (p.Gly985Arg)

Gene: ZNF469 (zinc finger protein 469; plus strand). Cytogenetic location: 16q24.2.
Variant type: single nucleotide variant.
Coding change: c.2953G>C on transcript NM_001367624.2 (MANE Select); coding-DNA position 2953, G replaced by C.
Protein change: p.Gly985Arg; replaces glycine 985 with arginine.
Molecular consequence: missense variant.
Genome position (GRCh38, 1-based): chr16:88,430,423, G>C. VCF-style: chr16-88430423-G-C. GRCh37 (hg19) VCF-style: chr16-88496831-G-C.
Other names: NM_001127464.1:c.2953G>C; short protein forms G985R.
Identifiers: ClinVar variation 1313161 (VCV001313161.2), dbSNP rs886052399, ClinGen allele CA397076350.